The following is an entry in ClinVar:

ClinVar aggregate classification (germline): Uncertain significance. Review status: criteria provided, multiple submitters, no conflicts (2 of 4 stars). 3 submissions from 3 submitters: Uncertain significance (2). 1 of the submissions does not count toward it. Last evaluated 2025-09-05.

Conditions:
Inborn genetic diseases. Identifiers: MedGen C0950123, MeSH D030342.
Combined malonic and methylmalonic acidemia. Identifiers: Orphanet 289504, MedGen C3280314, MONDO:0013661, OMIM 614265.

Allele frequency attached by ClinVar (database versions not stated): gnomAD 0.00001; ExAC 0.00002; gnomAD exomes 0.00002 and 0.00004; TOPMed 0.00002.
gnomAD v4.1: 62 of 1,613,582 alleles (0.0038%); highest among the groups gnomAD compares: Non-Finnish European, 0.0041%; no homozygotes.

Submissions (3):

Ambry Genetics
Classification: Uncertain significance for Inborn genetic diseases. Last evaluated: 2025-09-05. Review status: criteria provided, single submitter. Criteria: Ambry Variant Classification Scheme 2023. Collection method: clinical testing. Allele origin: germline.

GeneDx
Classification: Uncertain significance. Last evaluated: 2016-09-09. Review status: criteria provided, single submitter. Criteria: GeneDx Variant Classification (06012015). Collection method: clinical testing. Allele origin: germline. Affected: yes.
Comment: This variant is denoted p.Gly225Arg at the protein level, c.673 G>A at the cDNA level, and results in the replacement of a Glycine with an Arginine (GGG>AGG) in exon 4 of the ACSF3 gene (NM_174917.3). Mutations in the ACSF3 gene are associated with the autosomal recessive disorder combined malonic and methylmalonic aciduria (CMAMMA). Based on the currently available information, it is unclear whether G225R is a disease-causing mutation or a rare benign variant. The G225R missense substitution has not been published as either a mutation or reported as a benign polymorphism to our knowledge. G225R is a non-conservative amino acid substitution as a small, uncharged Glycine residue is replaced with a large, positively charged Arginine residue. This substitution occurs at a position in the ACSF3 protein that is conserved in mammals. In-silico analyses are inconsistent in their predictions of whether or not G225R is damaging to the ACSF3 protein. Therefore, based on the currently available information, it is unclear whether G225R is a disease-causing mutation or a rare benign variant. The variant is found in MMA-MET panel(s).

Natera, Inc.
Classification: Uncertain significance for Combined malonic and methylmalonic aciduria. Last evaluated: 2020-07-08. Review status: no assertion criteria provided. Collection method: clinical testing. Allele origin: germline. Not counted in ClinVar's aggregate classification.

NM_001243279.3(ACSF3):c.673G>A (p.Gly225Arg)

Gene: ACSF3 (acyl-CoA synthetase family member 3; plus strand). Cytogenetic location: 16q24.3.
Variant type: single nucleotide variant.
Coding change: c.673G>A on transcript NM_001243279.3 (MANE Select); coding-DNA position 673, G replaced by A.
Protein change: p.Gly225Arg; replaces glycine 225 with arginine.
Molecular consequence: missense variant. On other transcripts: 5 prime UTR variant (1), non-coding transcript variant (3).
Genome position (GRCh38, 1-based): chr16:89,102,610, G>A. VCF-style: chr16-89102610-G-A. GRCh37 (hg19) VCF-style: chr16-89169018-G-A.
Other names: p.G225R:GGG>AGG; c.673G>A, p.Gly225Arg (NM_001127214.4, NM_174917.5); c.-123G>A (NM_001284316.2); short protein forms G225R.
Identifiers: ClinVar variation 203608 (VCV000203608.4), dbSNP rs775694971, ClinGen allele CA312314.